The following is an entry in ClinVar:

NM_018100.4(EFHC1):c.854G>A (p.Arg285Lys)

Gene: EFHC1 (EF-hand domain containing 1; plus strand). Cytogenetic location: 6p12.2.
Variant type: single nucleotide variant.
Coding change: c.854G>A on transcript NM_018100.4 (MANE Select); coding-DNA position 854, G replaced by A.
Protein change: p.Arg285Lys; replaces arginine 285 with lysine.
Molecular consequence: missense variant. On other transcripts: non-coding transcript variant (1).
Genome position (GRCh38, 1-based): chr6:52,454,225, G>A. VCF-style: chr6-52454225-G-A. GRCh37 (hg19) VCF-style: chr6-52319023-G-A.
Other names: c.797G>A, p.Arg266Lys (NM_001172420.2); short protein forms R266K, R285K.
Identifiers: ClinVar variation 664750 (VCV000664750.13), dbSNP rs17851771, ClinGen allele CA3855932.

ClinVar aggregate classification (germline): Uncertain significance. Review status: criteria provided, multiple submitters, no conflicts (2 of 4 stars). 2 submissions from 2 submitters: Uncertain significance (2). Last evaluated 2025-05-12.

Conditions:
Absence seizure. Also called: Absence epilepsy. Identifiers: Orphanet 1941, MedGen C0014553.
Myoclonic epilepsy, juvenile, susceptibility to, 1. Also called: Myoclonic Epilepsy, Juvenile, 1; EJM1. Identifiers: MedGen C1850778, MONDO:0020752, OMIM 254770.

Allele frequency attached by ClinVar (database versions not stated): gnomAD exomes 0.00001 and below 0.00001; TOPMed 0.00001; gnomAD 0.00001; ExAC 0.00002; ESP Exome Variant Server 0.00008.

Submissions (2):

Labcorp Genetics (formerly Invitae), Labcorp
Classification: Uncertain significance for Myoclonic epilepsy, juvenile, susceptibility to, 1; Absence seizure. Last evaluated: 2025-05-12. Review status: criteria provided, single submitter. Criteria: Invitae Variant Classification Sherloc (09022015). Collection method: clinical testing. Allele origin: germline.
Comment: This sequence change replaces arginine, which is basic and polar, with lysine, which is basic and polar, at codon 285 of the EFHC1 protein (p.Arg285Lys). This variant is present in population databases (rs17851771, gnomAD 0.002%). This variant has not been reported in the literature in individuals affected with EFHC1-related conditions. ClinVar contains an entry for this variant (Variation ID: 664750). Invitae Evidence Modeling of protein sequence and biophysical properties (such as structural, functional, and spatial information, amino acid conservation, physicochemical variation, residue mobility, and thermodynamic stability) indicates that this missense variant is not expected to disrupt EFHC1 protein function with a negative predictive value of 80%. In summary, the available evidence is currently insufficient to determine the role of this variant in disease. Therefore, it has been classified as a Variant of Uncertain Significance.

Ambry Genetics
Classification: Uncertain significance. Last evaluated: 2023-12-17. Review status: criteria provided, single submitter. Criteria: Ambry Variant Classification Scheme 2023. Collection method: clinical testing. Allele origin: germline.